The following is an entry in ClinVar:

ClinVar aggregate classification (germline): Uncertain significance. Review status: criteria provided, multiple submitters, no conflicts (2 of 4 stars). 2 submissions from 2 submitters: Uncertain significance (2). Last evaluated 2024-10-11.

Allele frequency attached by ClinVar (database versions not stated): 1000 Genomes Project 30x 0.00031.
gnomAD v4.1: 7 of 1,613,882 alleles (0.00043%); highest among the groups gnomAD compares: Admixed American, 0.0067%; no homozygotes.

Submissions (2):

Labcorp Genetics (formerly Invitae), Labcorp
Classification: Uncertain significance. Last evaluated: 2024-10-11. Review status: criteria provided, single submitter. Criteria: Invitae Variant Classification Sherloc (09022015). Collection method: clinical testing. Allele origin: germline.
Comment: This sequence change replaces phenylalanine, which is neutral and non-polar, with leucine, which is neutral and non-polar, at codon 1456 of the KMT2B protein (p.Phe1456Leu). This variant is present in population databases (rs201875104, gnomAD 0.0009%). This variant has not been reported in the literature in individuals affected with KMT2B-related conditions. Invitae Evidence Modeling of protein sequence and biophysical properties (such as structural, functional, and spatial information, amino acid conservation, physicochemical variation, residue mobility, and thermodynamic stability) has been performed for this missense variant. However, the output from this modeling did not meet the statistical confidence thresholds required to predict the impact of this variant on KMT2B protein function. In summary, the available evidence is currently insufficient to determine the role of this variant in disease. Therefore, it has been classified as a Variant of Uncertain Significance.

GeneDx
Classification: Uncertain significance. Last evaluated: 2023-08-07. Review status: criteria provided, single submitter. Criteria: GeneDx Variant Classification Process June 2021. Collection method: clinical testing. Allele origin: germline. Affected: yes.
Comment: Not observed at significant frequency in large population cohorts (gnomAD); In silico analysis supports that this missense variant does not alter protein structure/function; Has not been previously published as pathogenic or benign to our knowledge

NM_014727.3(KMT2B):c.4368C>G (p.Phe1456Leu)

Gene: KMT2B (lysine methyltransferase 2B; plus strand). Cytogenetic location: 19q13.12.
Variant type: single nucleotide variant.
Coding change: c.4368C>G on transcript NM_014727.3 (MANE Select); coding-DNA position 4368, C replaced by G.
Protein change: p.Phe1456Leu; replaces phenylalanine 1456 with leucine.
Molecular consequence: missense variant.
Genome position (GRCh38, 1-based): chr19:35,727,763, C>G. VCF-style: chr19-35727763-C-G. GRCh37 (hg19) VCF-style: chr19-36218664-C-G.
Other names: c.4368C>G (NM_014727.2); short protein forms F1456L.
Identifiers: ClinVar variation 2885279 (VCV002885279.4), dbSNP rs201875104, ClinGen allele CA9385059.